The following is an entry in ClinVar:

NM_001845.6(COL4A1):c.3874C>A (p.Pro1292Thr)

Gene: COL4A1 (collagen type IV alpha 1 chain; minus strand). Cytogenetic location: 13q34.
Variant type: single nucleotide variant.
Coding change: c.3874C>A on transcript NM_001845.6 (MANE Select); coding-DNA position 3874, C replaced by A.
Protein change: p.Pro1292Thr; replaces proline 1292 with threonine.
Molecular consequence: missense variant.
Genome position (GRCh38, 1-based): chr13:110,169,631, G>T on the plus strand (C>A on the coding strand, the complement: COL4A1 is on the minus strand). VCF-style: chr13-110169631-G-T. GRCh37 (hg19) VCF-style: chr13-110821978-G-T.
Other names: short protein forms P1292T.
Identifiers: ClinVar variation 4736661 (VCV004736661.1).

ClinVar aggregate classification (germline): Uncertain significance (1 of 4 stars; one submission).

gnomAD v4.1: 15 of 1,613,668 alleles (0.00093%); highest among the groups gnomAD compares: South Asian, 0.0066%; no homozygotes.

Submission:

Labcorp Genetics (formerly Invitae), Labcorp
Classification: Uncertain significance. Last evaluated: 2025-08-09. Review status: criteria provided, single submitter. Criteria: Invitae Variant Classification Sherloc (09022015). Collection method: clinical testing. Allele origin: germline.
Comment: This sequence change replaces proline, which is neutral and non-polar, with threonine, which is neutral and polar, at codon 1292 of the COL4A1 protein (p.Pro1292Thr). This variant is present in population databases (rs752824016, gnomAD 0.003%). This variant has not been reported in the literature in individuals affected with COL4A1-related conditions. An algorithm developed to predict the effect of missense changes on protein structure and function (PolyPhen-2) suggests that this variant is likely to be disruptive. In summary, the available evidence is currently insufficient to determine the role of this variant in disease. Therefore, it has been classified as a Variant of Uncertain Significance.